The following is an entry in ClinVar:

ClinVar aggregate classification (germline): Likely benign (1 of 4 stars; one submission).

Conditions:
SEMA3B-related disorder. Also called: SEMA3B-related condition.

gnomAD v4.1: 585 of 1,590,878 alleles (0.037%); highest among the groups gnomAD compares: Non-Finnish European, 0.046%; no homozygotes.

Submission:

PreventionGenetics, part of Exact Sciences
Classification: Likely benign for SEMA3B-related condition. Last evaluated: 2026-01-12. Review status: criteria provided, single submitter. Criteria: ACMG Guidelines, 2015. Collection method: clinical testing. Allele origin: germline.
Comment: This variant is classified as likely benign based on ACMG/AMP sequence variant interpretation guidelines (Richards et al. 2015 PMID: 25741868, with internal and published modifications).

NM_001290060.2(SEMA3B):c.586C>T (p.Arg196Ter)

Gene: SEMA3B (semaphorin 3B; plus strand). Cytogenetic location: 3p21.31.
Variant type: single nucleotide variant.
Coding change: c.586C>T on transcript NM_001290060.2 (MANE Select); coding-DNA position 586, C replaced by T.
Protein change: p.Arg196Ter; replaces arginine 196 with a stop codon.
Molecular consequence: nonsense.
Genome position (GRCh38, 1-based): chr3:50,271,402, C>T. VCF-style: chr3-50271402-C-T. GRCh37 (hg19) VCF-style: chr3-50308833-C-T.
Other names: c.586C>T, p.Arg196Ter (NM_001005914.3, NM_001290061.1, NM_001435956.1 and 3 more transcripts); short protein forms R196*.
Identifiers: ClinVar variation 4980910 (VCV004980910.1).